The following is an entry in ClinVar:

ClinVar aggregate classification (germline): Uncertain significance (1 of 4 stars; one submission).

Conditions:
Dilated cardiomyopathy 1D. Identifiers: Orphanet 154, Orphanet 54260, MedGen C1832243, MONDO:0011095, OMIM 601494.
Hypertrophic cardiomyopathy 2. Also called: TNNT2-Related Familial Hypertrophic Cardiomyopathy. Identifiers: MedGen C1861864, MONDO:0007266, OMIM 115195.
Cardiomyopathy, familial restrictive, 3. Identifiers: Orphanet 75249, MedGen C2676271, MONDO:0012900, OMIM 612422.

Submission:

Labcorp Genetics (formerly Invitae), Labcorp
Classification: Uncertain significance for Cardiomyopathy, familial restrictive, 3; Hypertrophic cardiomyopathy 2; Dilated cardiomyopathy 1D. Last evaluated: 2024-11-12. Review status: criteria provided, single submitter. Criteria: Invitae Variant Classification Sherloc (09022015). Collection method: clinical testing. Allele origin: germline.
Comment: This sequence change replaces proline, which is neutral and non-polar, with histidine, which is basic and polar, at codon 80 of the TNNT2 protein (p.Pro80His). This variant is not present in population databases (gnomAD no frequency). This variant has not been reported in the literature in individuals affected with TNNT2-related conditions. Invitae Evidence Modeling of protein sequence and biophysical properties (such as structural, functional, and spatial information, amino acid conservation, physicochemical variation, residue mobility, and thermodynamic stability) has been performed for this missense variant. However, the output from this modeling did not meet the statistical confidence thresholds required to predict the impact of this variant on TNNT2 protein function. In summary, the available evidence is currently insufficient to determine the role of this variant in disease. Therefore, it has been classified as a Variant of Uncertain Significance.

NM_001276345.2(TNNT2):c.269C>A (p.Pro90His)

Gene: TNNT2 (troponin T2, cardiac type; minus strand). Cytogenetic location: 1q32.1.
Variant type: single nucleotide variant.
Coding change: c.269C>A on transcript NM_001276345.2 (MANE Select); coding-DNA position 269, C replaced by A.
Protein change: p.Pro90His; replaces proline 90 with histidine.
Molecular consequence: missense variant.
Genome position (GRCh38, 1-based): chr1:201,365,635, G>T on the plus strand (C>A on the coding strand, the complement: TNNT2 is on the minus strand). VCF-style: chr1-201365635-G-T. GRCh37 (hg19) VCF-style: chr1-201334763-G-T.
Other names: c.269C>A, p.Pro90His (NM_000364.4, NM_001406723.1); c.239C>A, p.Pro80His (NM_001001430.3, NM_001001431.3, NM_001276347.2 and 3 more transcripts); c.224C>A, p.Pro75His (NM_001001432.3, NM_001406728.1); c.266C>A, p.Pro89His (NM_001276346.2); c.236C>A, p.Pro79His (NM_001406725.1); short protein forms P75H, P79H, P80H, P89H, P90H.
Identifiers: ClinVar variation 3753584 (VCV003753584.2).